The following is an entry in ClinVar:

NM_003632.3(CNTNAP1):c.984del (p.Phe329fs)

Gene: CNTNAP1 (contactin associated protein 1; plus strand). Cytogenetic location: 17q21.2.
Variant type: Deletion.
Coding change: c.984del on transcript NM_003632.3 (MANE Select); coding-DNA position 984, one base deleted (C; older notation c.984delC).
Protein change: p.Phe329fs; shifts the reading frame from phenylalanine 329.
Molecular consequence: frameshift variant.
Genome position (GRCh38, 1-based): chr17:42,686,986, C deleted. VCF-style (leftmost placement, unchanged base first): chr17-42686985-TC-T. GRCh37 (hg19) VCF-style: chr17-40839003-TC-T.
Other names: short protein forms F329fs.
Identifiers: ClinVar variation 1809743 (VCV001809743.1), dbSNP rs2543791313, ClinGen allele CA2580093870.

ClinVar aggregate classification (germline): Pathogenic (1 of 4 stars; one submission).

Submission:

Athena Diagnostics
Classification: Pathogenic. Last evaluated: 2021-09-24. Review status: criteria provided, single submitter. Criteria: Athena Diagnostics Criteria. Collection method: clinical testing. Allele origin: unknown.
Comment: This variant is expected to result in the loss of a functional protein. This variant has not been reported in large, multi-ethnic general populations. This variant has been identified in at least one individual tested at Athena Diagnostics with clinical features associated with this gene.This observation is not an independent occurrence and has been identified in the same individual by RCIGM, the other laboratory participating in the GEMINI study.